The following is an entry in ClinVar:

NM_020800.3(IFT80):c.469C>A (p.Pro157Thr)

Genes: IFT80 (intraflagellar transport 80; minus strand), TRIM59-IFT80 (TRIM59-IFT80 readthrough (NMD candidate); minus strand). Cytogenetic location: 3q25.33.
Variant type: single nucleotide variant.
Coding change: c.469C>A on transcript NM_020800.3 (MANE Select); coding-DNA position 469, C replaced by A.
Protein change: p.Pro157Thr; replaces proline 157 with threonine.
Molecular consequence: missense variant. On other transcripts: non-coding transcript variant (3).
Genome position (GRCh38, 1-based): chr3:160,366,123, G>T on the plus strand (C>A on the coding strand, the complement: IFT80 is on the minus strand). VCF-style: chr3-160366123-G-T. GRCh37 (hg19) VCF-style: chr3-160083911-G-T.
Other names: c.58C>A, p.Pro20Thr (NM_001190241.2, NM_001190242.2); short protein forms P157T, P20T.
Identifiers: ClinVar variation 1020485 (VCV001020485.8), dbSNP rs1721843816, ClinGen allele CA355193365.
Genomic context (GRCh38, chr3:160,366,123, plus strand): 5'-GTTGAAGAGGTTTAATGATTAGCTGCTTGCCTGCTGTATAAAGAACCTTTTCTGAATCAG[G>T]GCCCCACGCTACTGAATACACTGGTGTTCCTGTAAGATGAAAAAAGAAAAAAAAAAGGCT-3'
Protein context (NP_065851.1, residues 147-167): GTPVYSVAWG[Pro157Thr]DSEKVLYTAG

ClinVar aggregate classification (germline): Uncertain significance (1 of 4 stars; one submission).

Conditions:
Jeune thoracic dystrophy. Also called: Infantile thoracic dystrophy; Thoracic pelvic phalangeal dystrophy; Jeune's syndrome; Chondroectodermal dysplasia-like syndrome; Short-rib thoracic dysplasia; Jeune syndrome. Identifiers: Orphanet 474, MedGen C0265275, MONDO:0018770.

gnomAD v4.1: 6 of 1,612,096 alleles (0.00037%); highest among the groups gnomAD compares: Non-Finnish European, 0.00051%; no homozygotes.

Submission:

Labcorp Genetics (formerly Invitae), Labcorp
Classification: Uncertain significance for Jeune thoracic dystrophy. Last evaluated: 2021-03-05. Review status: criteria provided, single submitter. Criteria: Invitae Variant Classification Sherloc (09022015). Collection method: clinical testing. Allele origin: germline.
Comment: In summary, the available evidence is currently insufficient to determine the role of this variant in disease. Therefore, it has been classified as a Variant of Uncertain Significance. Algorithms developed to predict the effect of missense changes on protein structure and function are either unavailable or do not agree on the potential impact of this missense change (SIFT: "Deleterious"; PolyPhen-2: "Probably Damaging"; Align-GVGD: "Class C0"). This variant has not been reported in the literature in individuals with IFT80-related conditions. This variant is not present in population databases (ExAC no frequency). This sequence change replaces proline with threonine at codon 157 of the IFT80 protein (p.Pro157Thr). The proline residue is highly conserved and there is a small physicochemical difference between proline and threonine.